The following is an entry in ClinVar:

ClinVar aggregate classification (germline): Pathogenic (1 of 4 stars; one submission).

Submission:

Labcorp Genetics (formerly Invitae), Labcorp
Classification: Pathogenic. Last evaluated: 2022-03-19. Review status: criteria provided, single submitter. Criteria: Invitae Variant Classification Sherloc (09022015). Collection method: clinical testing. Allele origin: germline.
Comment: This variant is a gross deletion of the genomic region encompassing exon(s) 1 of the CFD gene, which includes the initiator codon. This deletion extends beyond the assayed region for this gene and therefore may encompass additional genes. It is expected to result in an absent or disrupted protein product. Loss-of-function variants in CFD are known to be pathogenic (PMID: 11724962). This variant has not been reported in the literature in individuals affected with CFD-related conditions. For these reasons, this variant has been classified as Pathogenic.

Literature cited by the submitters: PubMed 11724962.

NC_000019.9:g.(?_852329)_(859764_?)del

Genes: CFD (complement factor D; plus strand), ELANE (elastase, neutrophil expressed; plus strand). Cytogenetic location: 19p13.3.
Variant type: Deletion.
Identifiers: ClinVar variation 1411330 (VCV001411330.5).